The following is an entry in ClinVar:

ClinVar aggregate classification (germline): Uncertain significance (1 of 4 stars; one submission).

Submission:

GeneDx
Classification: Uncertain significance. Last evaluated: 2019-09-26. Review status: criteria provided, single submitter. Criteria: GeneDx Variant Classification Process June 2021. Collection method: clinical testing. Allele origin: germline. Affected: yes.
Comment: Not observed in large population cohorts (Lek et al., 2016); In silico analysis, which includes protein predictors and evolutionary conservation, supports that this variant does not alter protein structure/function; Has not been previously published as pathogenic or benign to our knowledge

NM_007327.4(GRIN1):c.2723C>G (p.Ala908Gly)

Gene: GRIN1 (glutamate ionotropic receptor NMDA type subunit 1; plus strand). Cytogenetic location: 9q34.3.
Variant type: single nucleotide variant.
Coding change: c.2723C>G on transcript NM_007327.4 (MANE Select); coding-DNA position 2723, C replaced by G.
Protein change: p.Ala908Gly; replaces alanine 908 with glycine.
Molecular consequence: missense variant. On other transcripts: intron variant (3).
Genome position (GRCh38, 1-based): chr9:137,167,433, C>G. VCF-style: chr9-137167433-C-G. GRCh37 (hg19) VCF-style: chr9-140061885-C-G.
Other names: c.2612C>G, p.Ala871Gly (NM_021569.4); c.2764-341C>G (NM_001185090.2); c.2653-341C>G (NM_001185091.2); c.2590-341C>G (NM_000832.7); short protein forms A871G, A908G.
Identifiers: ClinVar variation 1312440 (VCV001312440.2), dbSNP rs2131314946, ClinGen allele CA375729614.